The following is an entry in ClinVar:

NM_005273.4(GNB2):c.143G>A (p.Arg48Gln)

Gene: GNB2 (G protein subunit beta 2; plus strand). Cytogenetic location: 7q22.1.
Variant type: single nucleotide variant.
Coding change: c.143G>A on transcript NM_005273.4 (MANE Select); coding-DNA position 143, G replaced by A.
Protein change: p.Arg48Gln; replaces arginine 48 with glutamine.
Molecular consequence: missense variant.
Genome position (GRCh38, 1-based): chr7:100,676,739, G>A. VCF-style: chr7-100676739-G-A. GRCh37 (hg19) VCF-style: chr7-100274362-G-A.
Other names: short protein forms R48Q.
Identifiers: ClinVar variation 3378079 (VCV003378079.2).

ClinVar aggregate classification (germline): Likely pathogenic (1 of 4 stars; one submission).

gnomAD v4.1: 1 of 1,609,344 alleles (0.000062%); highest among the groups gnomAD compares: Non-Finnish European, 0.000085%; no homozygotes.

Submission:

GeneDx
Classification: Likely pathogenic. Last evaluated: 2025-02-25. Review status: criteria provided, single submitter. Criteria: GeneDx Variant Classification Process June 2021. Collection method: clinical testing. Allele origin: germline. Affected: yes.
Comment: Not observed at significant frequency in large population cohorts (gnomAD); In silico analysis supports that this missense variant has a deleterious effect on protein structure/function; Has not been previously published as pathogenic or benign to our knowledge